The following is an entry in ClinVar:

NM_002485.5(NBN):c.896+4T>A

Gene: NBN (nibrin; minus strand). Cytogenetic location: 8q21.3.
Variant type: single nucleotide variant.
Coding change: c.896+4T>A on transcript NM_002485.5 (MANE Select); 4 bases into the intron after coding-DNA position 896, T replaced by A.
Molecular consequence: intron variant.
Genome position (GRCh38, 1-based): chr8:89,970,360, A>T on the plus strand (T>A on the coding strand, the complement: NBN is on the minus strand). VCF-style: chr8-89970360-A-T. GRCh37 (hg19) VCF-style: chr8-90982588-A-T.
Other names: c.650+4T>A (NM_001024688.3).
Identifiers: ClinVar variation 1054423 (VCV001054423.9), dbSNP rs190843577, ClinGen allele CA2499219434.

ClinVar aggregate classification (germline): Uncertain significance (1 of 4 stars; one submission).

Conditions:
Microcephaly, normal intelligence and immunodeficiency (NBS). Also called: Nijmegen breakage syndrome; Microcephaly with normal intelligence immunodeficiency and lymphoreticular malignancies; Nonsyndromal microcephaly autosomal recessive with normal intelligence; Seemanova syndrome 2; SEEMANOVA SYNDROME II; IMMUNODEFICIENCY, MICROCEPHALY, AND CHROMOSOMAL INSTABILITY. Identifiers: Orphanet 647, MedGen C0398791, MONDO:0009623, OMIM 251260.

Submission:

Labcorp Genetics (formerly Invitae), Labcorp
Classification: Uncertain significance for Microcephaly, normal intelligence and immunodeficiency. Last evaluated: 2020-06-06. Review status: criteria provided, single submitter. Criteria: Invitae Variant Classification Sherloc (09022015). Collection method: clinical testing. Allele origin: germline.
Comment: This sequence change falls in intron 7 of the NBN gene. It does not directly change the encoded amino acid sequence of the NBN protein, but it affects a nucleotide within the consensus splice site of the intron. This variant is not present in population databases (ExAC no frequency). This variant has not been reported in the literature in individuals with NBN-related conditions. Nucleotide substitutions within the consensus splice site are a relatively common cause of aberrant splicing (PMID: 17576681, 9536098). Algorithms developed to predict the effect of sequence changes on RNA splicing suggest that this variant may create or strengthen a splice site, but this prediction has not been confirmed by published transcriptional studies. In summary, the available evidence is currently insufficient to determine the role of this variant in disease. Therefore, it has been classified as a Variant of Uncertain Significance.

Literature cited by the submitters: PubMed 17576681; PubMed 9536098.